The following is an entry in ClinVar:

ClinVar aggregate classification (germline): Likely pathogenic. Review status: criteria provided, multiple submitters, no conflicts (2 of 4 stars). 3 submissions from 3 submitters: Likely pathogenic (2). 1 of the submissions does not count toward it. Last evaluated 2024-02-02.

Conditions:
Bloom syndrome (BLM). Also called: Bloom-Torre-Machacek syndrome. Identifiers: Orphanet 125, MedGen C0005859, MONDO:0008876, OMIM 210900.

gnomAD v4.1: 2 of 1,613,262 alleles (0.00012%); highest among the groups gnomAD compares: South Asian, 0.0011%; no homozygotes.

Submissions (3):

Labcorp Genetics (formerly Invitae), Labcorp
Classification: Likely pathogenic for Bloom syndrome. Last evaluated: 2024-02-02. Review status: criteria provided, single submitter. Criteria: Invitae Variant Classification Sherloc (09022015). Collection method: clinical testing. Allele origin: germline.
Comment: This sequence change affects an acceptor splice site in intron 4 of the BLM gene. It is expected to disrupt RNA splicing. Variants that disrupt the donor or acceptor splice site typically lead to a loss of protein function (PMID: 16199547), and loss-of-function variants in BLM are known to be pathogenic (PMID: 17407155). This variant is not present in population databases (gnomAD no frequency). This variant has not been reported in the literature in individuals affected with BLM-related conditions. ClinVar contains an entry for this variant (Variation ID: 643599). Algorithms developed to predict the effect of sequence changes on RNA splicing suggest that this variant may disrupt the consensus splice site. In summary, the currently available evidence indicates that the variant is pathogenic, but additional data are needed to prove that conclusively. Therefore, this variant has been classified as Likely Pathogenic.

Baylor Genetics
Classification: Likely pathogenic for Bloom syndrome. Last evaluated: 2022-03-05. Review status: criteria provided, single submitter. Criteria: ACMG Guidelines, 2015. Collection method: clinical testing. Allele origin: unknown.

Natera, Inc.
Classification: Likely pathogenic for Bloom syndrome. Last evaluated: 2020-09-16. Review status: no assertion criteria provided. Collection method: clinical testing. Allele origin: germline. Not counted in ClinVar's aggregate classification.

Literature cited by the submitters: PubMed 16199547 (cited by Labcorp Genetics (formerly Invitae), Labcorp); PubMed 17407155 (cited by Labcorp Genetics (formerly Invitae), Labcorp).

NM_000057.4(BLM):c.960-1G>A

Gene: BLM (BLM RecQ like helicase; plus strand). Cytogenetic location: 15q26.1.
Variant type: single nucleotide variant.
Coding change: c.960-1G>A on transcript NM_000057.4 (MANE Select); the canonical splice acceptor site of the intron before coding-DNA position 960, G replaced by A.
Molecular consequence: splice acceptor variant.
Genome position (GRCh38, 1-based): chr15:90,754,810, G>A. VCF-style: chr15-90754810-G-A. GRCh37 (hg19) VCF-style: chr15-91298040-G-A.
Other names: c.960-1G>A (NM_001287246.2, NM_001287247.2); c.-332-1G>A (NM_001287248.2).
Identifiers: ClinVar variation 643599 (VCV000643599.9), dbSNP rs1596223715, ClinGen allele CA393841977.